The following is an entry in ClinVar:

ClinVar aggregate classification (germline): Pathogenic. Review status: reviewed by expert panel (3 of 4 stars). 5 submissions from 5 submitters: Pathogenic (1). 4 of the submissions do not count toward it. Last evaluated 2023-08-04.

Conditions:
CDH1-related diffuse gastric and lobular breast cancer syndrome. Also called: CDH1-related diffuse gastric and lobular breast cancer. Identifiers: MedGen CN311521, MONDO:0100488.
CDH1-related disorder. Also called: CDH1-related condition.
Hereditary cancer-predisposing syndrome. Also called: Neoplastic Syndromes, Hereditary; Tumor predisposition; Hereditary neoplastic syndrome; Hereditary Cancer Syndrome. Identifiers: Orphanet 140162, MedGen C0027672, MeSH D009386, MONDO:0015356.
Hereditary diffuse gastric adenocarcinoma (HDGC). Also called: DIFFUSE GASTRIC AND LOBULAR BREAST CANCER SYNDROME. Identifiers: Orphanet 26106, MedGen C1708349, MONDO:0007648, OMIM 137215.

gnomAD v4.1: 1 of 1,551,278 alleles (0.000064%); no homozygotes.

Submissions (5):

Clingen Gastric Cancer Variant Curation Expert Panel
Classification: Pathogenic for CDH1-related diffuse gastric and lobular breast cancer syndrome. Last evaluated: 2023-08-04. Review status: reviewed by expert panel. Criteria: ClinGen CDH1 ACMG Specifications V3.1. Collection method: curation. Allele origin: germline. Inheritance: Autosomal dominant inheritance.
Comment: The c.76G>T p.(Glu26Ter) variant is predicted to result in a premature stop codon that leads to nonsense mediate decay (PVS1 and PM5_supporting). The variant is absent in the gnomAD cohort (PM2_supporting). Therefore, this variant meets criteria to be classified as pathogenic based on the ACMG/AMP criteria applied as specified by the CDH1 Variant Curation Expert Panel (CDH1 VCEP specifications version 3.1): PVS1, PM2_supporting, PM5_supporting.

Labcorp Genetics (formerly Invitae), Labcorp
Classification: Pathogenic for Hereditary diffuse gastric adenocarcinoma. Last evaluated: 2025-02-27. Review status: criteria provided, single submitter. Criteria: Invitae Variant Classification Sherloc (09022015). Collection method: clinical testing. Allele origin: germline. Not counted in ClinVar's aggregate classification.
Comment: This sequence change creates a premature translational stop signal (p.Glu26*) in the CDH1 gene. It is expected to result in an absent or disrupted protein product. Loss-of-function variants in CDH1 are known to be pathogenic (PMID: 15235021, 20373070). This variant is not present in population databases (gnomAD no frequency). This premature translational stop signal has been observed in individual(s) with Breast Cancer (PMID: 31263571). ClinVar contains an entry for this variant (Variation ID: 183750). For these reasons, this variant has been classified as Pathogenic.

PreventionGenetics, part of Exact Sciences
Classification: Pathogenic for CDH1-related condition. Last evaluated: 2025-01-09. Review status: criteria provided, single submitter. Criteria: ACMG Guidelines, 2015. Collection method: clinical testing. Allele origin: germline. Not counted in ClinVar's aggregate classification.
Comment: The CDH1 c.76G>T variant is predicted to result in premature protein termination (p.Glu26*). This variant was reported in an individual with breast cancer (Table S5, Bertelsen et al. 2019. PubMed ID: 31263571). This variant has not been reported in a large population database (gnomAD), indicating this variant is rare. This variant is interpreted as pathogenic by numerous labs in ClinVar, including the ClinGen CDH1 Variant Curation Expert Panel. Nonsense variants in CDH1 are expected to be pathogenic. This variant is interpreted as pathogenic.

Ambry Genetics
Classification: Pathogenic for Hereditary cancer-predisposing syndrome. Last evaluated: 2024-10-29. Review status: criteria provided, single submitter. Criteria: Ambry Variant Classification Scheme 2023. Collection method: clinical testing. Allele origin: germline. Not counted in ClinVar's aggregate classification.
Comment: The p.E26* pathogenic mutation (also known as c.76G>T), located in coding exon 2 of the CDH1 gene, results from a G to T substitution at nucleotide position 76. This changes the amino acid from a glutamic acid to a stop codon within coding exon 2. This variant is considered to be rare based on population cohorts in the Genome Aggregation Database (gnomAD). This alteration is expected to result in loss of function by premature protein truncation or nonsense-mediated mRNA decay. As such, this alteration is interpreted as a disease-causing mutation.

Myriad Genetics, Inc.
Classification: Pathogenic for Hereditary diffuse gastric adenocarcinoma. Last evaluated: 2023-06-08. Review status: criteria provided, single submitter. Criteria: Myriad Autosomal Dominant, Autosomal Recessive and X-Linked Classification Criteria (2023). Collection method: clinical testing. Allele origin: unknown. Not counted in ClinVar's aggregate classification.
Comment: This variant is considered pathogenic. This variant creates a termination codon and is predicted to result in premature protein truncation.

Literature cited by the submitters: PubMed 15235021 (cited by Labcorp Genetics (formerly Invitae), Labcorp); PubMed 20373070 (cited by Labcorp Genetics (formerly Invitae), Labcorp); PubMed 31263571 (cited by Labcorp Genetics (formerly Invitae), Labcorp).

NM_004360.5(CDH1):c.76G>T (p.Glu26Ter)

Gene: CDH1 (cadherin 1; plus strand). Cytogenetic location: 16q22.1.
Variant type: single nucleotide variant.
Coding change: c.76G>T on transcript NM_004360.5 (MANE Select); coding-DNA position 76, G replaced by T.
Protein change: p.Glu26Ter; replaces glutamic acid 26 with a stop codon.
Molecular consequence: nonsense. On other transcripts: 5 prime UTR variant (2).
Genome position (GRCh38, 1-based): chr16:68,738,324, G>T. VCF-style: chr16-68738324-G-T. GRCh37 (hg19) VCF-style: chr16-68772227-G-T.
Other names: c.76G>T (LRG_301t1, NM_004360.4); c.76G>T, p.Glu26Ter (NM_001317184.2); c.-1540G>T (NM_001317185.2); c.-1744G>T (NM_001317186.2); short protein forms E26*.
Identifiers: ClinVar variation 183750 (VCV000183750.22), dbSNP rs786201058, ClinGen allele CA186314.